The following is an entry in ClinVar:

NM_001999.4(FBN2):c.4402G>T (p.Val1468Phe)

Gene: FBN2 (fibrillin 2; minus strand). Cytogenetic location: 5q23.3.
Variant type: single nucleotide variant.
Coding change: c.4402G>T on transcript NM_001999.4 (MANE Select); coding-DNA position 4402, G replaced by T.
Protein change: p.Val1468Phe; replaces valine 1468 with phenylalanine.
Molecular consequence: missense variant.
Genome position (GRCh38, 1-based): chr5:128,328,765, C>A on the plus strand (G>T on the coding strand, the complement: FBN2 is on the minus strand). VCF-style: chr5-128328765-C-A. GRCh37 (hg19) VCF-style: chr5-127664457-C-A.
Other names: short protein forms V1468F.
Identifiers: ClinVar variation 1018109 (VCV001018109.11), dbSNP rs199668238, ClinGen allele CA360753010.

ClinVar aggregate classification (germline): Uncertain significance. Review status: criteria provided, multiple submitters, no conflicts (2 of 4 stars). 2 submissions from 2 submitters: Uncertain significance (2). Last evaluated 2025-11-07.

Conditions:
Congenital contractural arachnodactyly (CCA). Also called: Beals-Hecht syndrome; BEALS SYNDROME; Arthrogryposis, distal, type 9. Identifiers: Orphanet 115, MedGen C0220668, MONDO:0007363, OMIM 121050.

Allele frequency attached by ClinVar (database versions not stated): gnomAD 0.00001.
gnomAD v4.1: 2 of 1,614,038 alleles (0.00012%); highest among the groups gnomAD compares: Admixed American, 0.0017%; no homozygotes.

Submissions (2):

Dasa
Classification: Uncertain significance for Congenital contractural arachnodactyly. Last evaluated: 2025-11-07. Review status: criteria provided, single submitter. Criteria: DASA Assertion Criteria. Collection method: clinical testing. Allele origin: germline.
Comment: NM_001999.4(FBN2):c.4402G>T (p.Val1468Phe) is a missense variant that results in the substitution of valine with phenylalanine. This variant is rare in population databases. The currently available literature and clinical evidence are not sufficient to establish a definitive association between this variant and the reported condition. Therefore, this variant is classified as a variant of uncertain significance.

Labcorp Genetics (formerly Invitae), Labcorp
Classification: Uncertain significance for Congenital contractural arachnodactyly. Last evaluated: 2020-09-02. Review status: criteria provided, single submitter. Criteria: Invitae Variant Classification Sherloc (09022015). Collection method: clinical testing. Allele origin: germline.
Comment: This sequence change replaces valine with phenylalanine at codon 1468 of the FBN2 protein (p.Val1468Phe). The valine residue is highly conserved and there is a small physicochemical difference between valine and phenylalanine. This variant is not present in population databases (ExAC no frequency). This variant has not been reported in the literature in individuals with FBN2-related conditions. Advanced modeling of protein sequence and biophysical properties (such as structural, functional, and spatial information, amino acid conservation, physicochemical variation, residue mobility, and thermodynamic stability) performed at Invitae indicates that this missense variant is not expected to disrupt FBN2 protein function. In summary, the available evidence is currently insufficient to determine the role of this variant in disease. Therefore, it has been classified as a Variant of Uncertain Significance.